The following is an entry in ClinVar:

NM_006420.3(ARFGEF2):c.4889C>T (p.Ser1630Phe)

Gene: ARFGEF2 (ARF guanine nucleotide exchange factor 2; plus strand). Cytogenetic location: 20q13.13.
Variant type: single nucleotide variant.
Coding change: c.4889C>T on transcript NM_006420.3 (MANE Select); coding-DNA position 4889, C replaced by T.
Protein change: p.Ser1630Phe; replaces serine 1630 with phenylalanine.
Molecular consequence: missense variant.
Genome position (GRCh38, 1-based): chr20:49,025,446, C>T. VCF-style: chr20-49025446-C-T. GRCh37 (hg19) VCF-style: chr20-47641983-C-T.
Other names: c.4886C>T, p.Ser1629Phe (NM_001410846.1); short protein forms S1629F, S1630F.
Identifiers: ClinVar variation 2499291 (VCV002499291.2), dbSNP rs1174193247, ClinGen allele CA409335882.

ClinVar aggregate classification (germline): Uncertain significance (1 of 4 stars; one submission).

Allele frequency attached by ClinVar (database versions not stated): TOPMed below 0.00001.

Submission:

GeneDx
Classification: Uncertain significance. Last evaluated: 2025-09-04. Review status: criteria provided, single submitter. Criteria: GeneDx Variant Classification Process June 2021. Collection method: clinical testing. Allele origin: germline.
Comment: Not observed at significant frequency in large population cohorts (gnomAD); In silico analysis supports that this missense variant has a deleterious effect on protein structure/function; Has not been previously published as pathogenic or benign to our knowledge